The following is an entry in ClinVar:

NM_001357.5(DHX9):c.2926A>C (p.Thr976Pro)

Gene: DHX9 (DExH-box helicase 9; plus strand). Cytogenetic location: 1q25.3.
Variant type: single nucleotide variant.
Coding change: c.2926A>C on transcript NM_001357.5 (MANE Select); coding-DNA position 2926, A replaced by C.
Protein change: p.Thr976Pro; replaces threonine 976 with proline.
Molecular consequence: missense variant. On other transcripts: non-coding transcript variant (1).
Genome position (GRCh38, 1-based): chr1:182,883,150, A>C. VCF-style: chr1-182883150-A-C. GRCh37 (hg19) VCF-style: chr1-182852285-A-C.
Other names: short protein forms T976P.
Identifiers: ClinVar variation 4532736 (VCV004532736.1).
Genomic context (GRCh38, chr1:182,883,150, plus strand): 5'-AGATCAGCCAGTTATCTGATTTTTGTTTTCACTGTGCTCCTCTTAACAGATTGTTTGTTG[A>C]CACAAGTGTTTACTAACACTGGACCAGATAATAATTTGGATGTTGTTATCTCCCTCCTGG-3'
Protein context (NP_001348.2, residues 966-986): NSGFPEDCLL[Thr976Pro]QVFTNTGPDN

ClinVar aggregate classification (germline): Uncertain significance (1 of 4 stars; one submission).

Submission:

GeneDx
Classification: Uncertain significance. Last evaluated: 2025-05-30. Review status: criteria provided, single submitter. Criteria: GeneDx Variant Classification Process June 2021. Collection method: clinical testing. Allele origin: germline. Affected: yes.
Comment: Not observed at significant frequency in large population cohorts (gnomAD); In silico analysis suggests that this missense variant does not alter protein structure/function; Has not been previously published as pathogenic or benign to our knowledge